The following is an entry in ClinVar:

NM_001040716.2(PC):c.446T>C (p.Met149Thr)

Gene: PC (pyruvate carboxylase; minus strand). Cytogenetic location: 11q13.2.
Variant type: single nucleotide variant.
Coding change: c.446T>C on transcript NM_001040716.2 (MANE Select); coding-DNA position 446, T replaced by C.
Protein change: p.Met149Thr; replaces methionine 149 with threonine.
Molecular consequence: missense variant.
Genome position (GRCh38, 1-based): chr11:66,871,356, A>G on the plus strand (T>C on the coding strand, the complement: PC is on the minus strand). VCF-style: chr11-66871356-A-G. GRCh37 (hg19) VCF-style: chr11-66638827-A-G.
Other names: c.446T>C, p.Met149Thr (NM_000920.4, NM_022172.3); short protein forms M149T.
Identifiers: ClinVar variation 2810985 (VCV002810985.3), dbSNP rs779644432, ClinGen allele CA6132222.
Genomic context (GRCh38, chr11:66,871,356, plus strand): 5'-GCTTGCCCGTTATATTCACCCGCAGCAATGGCGATGGCCCGGGCCTCCACCTTGTCTCCC[A>G]TCTTGCGGACCACTTCTGGGCTTGGCCCAATAAACCGGACCCCTGCATCCTGGCAGGCCT-3'
Protein context (NP_001035806.1, residues 139-159): IGPSPEVVRK[Met149Thr]GDKVEARAIA

ClinVar aggregate classification (germline): Uncertain significance (1 of 4 stars; one submission).

Conditions:
Pyruvate carboxylase deficiency. Also called: ATAXIA WITH LACTIC ACIDOSIS II; LEIGH NECROTIZING ENCEPHALOPATHY DUE TO PYRUVATE CARBOXYLASE DEFICIENCY; LEIGH SYNDROME DUE TO PYRUVATE CARBOXYLASE DEFICIENCY; PC DEFICIENCY; Pyruvate Carboxylase Deficiency Disease. Identifiers: Orphanet 3008, MedGen C0034341, MONDO:0009949, OMIM 266150.

Allele frequency attached by ClinVar (database versions not stated): gnomAD exomes below 0.00001; TOPMed below 0.00001; ExAC 0.00001; gnomAD 0.00001.

Submission:

Labcorp Genetics (formerly Invitae), Labcorp
Classification: Uncertain significance for Pyruvate carboxylase deficiency. Last evaluated: 2023-03-19. Review status: criteria provided, single submitter. Criteria: Invitae Variant Classification Sherloc (09022015). Collection method: clinical testing. Allele origin: germline.
Comment: This variant has not been reported in the literature in individuals affected with PC-related conditions. This sequence change replaces methionine, which is neutral and non-polar, with threonine, which is neutral and polar, at codon 149 of the PC protein (p.Met149Thr). This variant is present in population databases (rs779644432, gnomAD 0.0009%). Advanced modeling of protein sequence and biophysical properties (such as structural, functional, and spatial information, amino acid conservation, physicochemical variation, residue mobility, and thermodynamic stability) has been performed at Invitae for this missense variant, however the output from this modeling did not meet the statistical confidence thresholds required to predict the impact of this variant on PC protein function. In summary, the available evidence is currently insufficient to determine the role of this variant in disease. Therefore, it has been classified as a Variant of Uncertain Significance.